The following is an entry in ClinVar:

ClinVar aggregate classification (germline): Uncertain significance. Review status: criteria provided, multiple submitters, no conflicts (2 of 4 stars). 3 submissions from 3 submitters: Uncertain significance (3). Last evaluated 2025-08-04.

Conditions:
Tuberous sclerosis 2 (TSC2). Identifiers: Orphanet 805, MedGen C1860707, MONDO:0013199, OMIM 613254.

Submissions (3):

Labcorp Genetics (formerly Invitae), Labcorp
Classification: Uncertain significance for Tuberous sclerosis 2. Last evaluated: 2025-08-04. Review status: criteria provided, single submitter. Criteria: Invitae Variant Classification Sherloc (09022015). Collection method: clinical testing. Allele origin: germline.
Comment: This sequence change replaces leucine, which is neutral and non-polar, with serine, which is neutral and polar, at codon 697 of the TSC2 protein (p.Leu697Ser). This variant is not present in population databases (gnomAD no frequency). This variant has not been reported in the literature in individuals affected with TSC2-related conditions. ClinVar contains an entry for this variant (Variation ID: 976011). Invitae Evidence Modeling of protein sequence and biophysical properties (such as structural, functional, and spatial information, amino acid conservation, physicochemical variation, residue mobility, and thermodynamic stability) has been performed for this missense variant. However, the output from this modeling did not meet the statistical confidence thresholds required to predict the impact of this variant on TSC2 protein function. In summary, the available evidence is currently insufficient to determine the role of this variant in disease. Therefore, it has been classified as a Variant of Uncertain Significance.

GeneDx
Classification: Uncertain significance. Last evaluated: 2024-02-09. Review status: criteria provided, single submitter. Criteria: GeneDx Variant Classification Process June 2021. Collection method: clinical testing. Allele origin: germline. Affected: yes.
Comment: Not observed at significant frequency in large population cohorts (gnomAD); In silico analysis supports that this missense variant has a deleterious effect on protein structure/function; Has not been previously published as pathogenic or benign to our knowledge

Institute of Human Genetics, University of Leipzig Medical Center
Classification: Uncertain significance for Tuberous sclerosis 2. Last evaluated: 2019-11-07. Review status: criteria provided, single submitter. Criteria: ACMG Guidelines, 2015. Collection method: clinical testing. Allele origin: germline. Affected: yes. Observed: 1 variant allele.

NM_000548.5(TSC2):c.2090T>C (p.Leu697Ser)

Gene: TSC2 (TSC complex subunit 2; plus strand). Cytogenetic location: 16p13.3.
Variant type: single nucleotide variant.
Coding change: c.2090T>C on transcript NM_000548.5 (MANE Select); coding-DNA position 2090, T replaced by C.
Protein change: p.Leu697Ser; replaces leucine 697 with serine.
Molecular consequence: missense variant.
Genome position (GRCh38, 1-based): chr16:2,071,927, T>C. VCF-style: chr16-2071927-T-C. GRCh37 (hg19) VCF-style: chr16-2121928-T-C.
Other names: c.2090T>C, p.Leu697Ser (NM_001077183.3, NM_001114382.3, NM_001363528.2 and 3 more transcripts); c.1979T>C, p.Leu660Ser (NM_001318827.2); c.1943T>C, p.Leu648Ser (NM_001318829.2); c.1490T>C, p.Leu497Ser (NM_001318831.2); c.2123T>C, p.Leu708Ser (NM_001318832.2); c.2090T>C (NM_000548.3); short protein forms L497S, L648S, L660S, L697S, L708S.
Identifiers: ClinVar variation 976011 (VCV000976011.8), dbSNP rs2088487335, ClinGen allele CA394274718.